The following is an entry in ClinVar:

NM_058216.3(RAD51C):c.68T>C (p.Val23Ala)

Gene: RAD51C (RAD51 paralog C; plus strand). Cytogenetic location: 17q22.
Variant type: single nucleotide variant.
Coding change: c.68T>C on transcript NM_058216.3 (MANE Select); coding-DNA position 68, T replaced by C.
Protein change: p.Val23Ala; replaces valine 23 with alanine.
Molecular consequence: missense variant. On other transcripts: non-coding transcript variant (1).
Genome position (GRCh38, 1-based): chr17:58,692,711, T>C. VCF-style: chr17-58692711-T-C. GRCh37 (hg19) VCF-style: chr17-56770072-T-C.
Other names: c.68T>C, p.Val23Ala (NM_002876.4, NM_058217.1); short protein forms V23A.
Identifiers: ClinVar variation 2820189 (VCV002820189.3), dbSNP rs2047807604, ClinGen allele CA400336863.

ClinVar aggregate classification (germline): Uncertain significance (1 of 4 stars; one submission).

Conditions:
Fanconi anemia complementation group O. Also called: RAD51C-Related Fanconi Anemia. Identifiers: Orphanet 84, MedGen C3150653, MONDO:0013248, OMIM 613390.

Submission:

Labcorp Genetics (formerly Invitae), Labcorp
Classification: Uncertain significance for Fanconi anemia complementation group O. Last evaluated: 2022-12-20. Review status: criteria provided, single submitter. Criteria: Invitae Variant Classification Sherloc (09022015). Collection method: clinical testing. Allele origin: germline.
Comment: In summary, the available evidence is currently insufficient to determine the role of this variant in disease. Therefore, it has been classified as a Variant of Uncertain Significance. Advanced modeling of protein sequence and biophysical properties (such as structural, functional, and spatial information, amino acid conservation, physicochemical variation, residue mobility, and thermodynamic stability) performed at Invitae indicates that this missense variant is not expected to disrupt RAD51C protein function. This variant has not been reported in the literature in individuals affected with RAD51C-related conditions. This variant is not present in population databases (gnomAD no frequency). This sequence change replaces valine, which is neutral and non-polar, with alanine, which is neutral and non-polar, at codon 23 of the RAD51C protein (p.Val23Ala).